The following is an entry in ClinVar:

NM_000540.3(RYR1):c.2331C>G (p.Phe777Leu)

Gene: RYR1 (ryanodine receptor 1; plus strand). Cytogenetic location: 19q13.2.
Variant type: single nucleotide variant.
Coding change: c.2331C>G on transcript NM_000540.3 (MANE Select); coding-DNA position 2331, C replaced by G.
Protein change: p.Phe777Leu; replaces phenylalanine 777 with leucine.
Molecular consequence: missense variant.
Genome position (GRCh38, 1-based): chr19:38,459,309, C>G. VCF-style: chr19-38459309-C-G. GRCh37 (hg19) VCF-style: chr19-38949949-C-G.
Other names: c.2331C>G, p.Phe777Leu (NM_001042723.2); short protein forms F777L.
Identifiers: ClinVar variation 496045 (VCV000496045.1), dbSNP rs1210759640, ClinGen allele CA405628162.

ClinVar aggregate classification (germline): Uncertain significance (1 of 4 stars; one submission).

Submission:

Women's Health and Genetics/Laboratory Corporation of America, LabCorp
Classification: Uncertain significance. Last evaluated: 2017-07-24. Review status: criteria provided, single submitter. Criteria: LabCorp Variant Classification Summary - May 2015. Collection method: clinical testing. Allele origin: germline.
Comment: Variant summary: The RYR1 c.2331C>G (p.Phe777Leu) variant involves the alteration of a non-conserved nucleotide. 4/5 in silico tools predict a damaging outcome for this variant. The variant of interest has not been found in a large, broad control population, ExAC in 120984 control chromosomes. The variant of interest has not, to our knowledge, been reported in affected individuals via publications and/or reputable databases/clinical diagnostic laboratories; nor evaluated for functional impact by in vivo/vitro studies. Because of the absence of clinical information and the lack of functional studies, the variant is classified as a variant of uncertain significance (VUS).